The following is an entry in ClinVar:

NM_015909.4(NBAS):c.2854del (p.Glu952fs)

Gene: NBAS (NBAS subunit of NRZ tethering complex; minus strand). Cytogenetic location: 2p24.3.
Variant type: Deletion.
Coding change: c.2854del on transcript NM_015909.4 (MANE Select); coding-DNA position 2854, one base deleted (G; older notation c.2854delG).
Protein change: p.Glu952fs; shifts the reading frame from glutamic acid 952.
Molecular consequence: frameshift variant. On other transcripts: non-coding transcript variant (1).
Genome position (GRCh38, 1-based): chr2:15,415,629, C deleted on the plus strand (G on the coding strand, the reverse complement: NBAS is on the minus strand). VCF-style (leftmost placement, unchanged base first): chr2-15415628-TC-T. GRCh37 (hg19) VCF-style: chr2-15555752-TC-T.
Other names: short protein forms E952fs.
Identifiers: ClinVar variation 4691603 (VCV004691603.1).

ClinVar aggregate classification (germline): Pathogenic (1 of 4 stars; one submission).

Submission:

Labcorp Genetics (formerly Invitae), Labcorp
Classification: Pathogenic. Last evaluated: 2025-03-13. Review status: criteria provided, single submitter. Criteria: Invitae Variant Classification Sherloc (09022015). Collection method: clinical testing. Allele origin: germline.
Comment: This sequence change creates a premature translational stop signal (p.Glu952Serfs*3) in the NBAS gene. It is expected to result in an absent or disrupted protein product. Loss-of-function variants in NBAS are known to be pathogenic (PMID: 26073778, 26541327, 27789416, 28031453). This variant is not present in population databases (gnomAD no frequency). This variant has not been reported in the literature in individuals affected with NBAS-related conditions. Algorithms developed to predict the effect of sequence changes on RNA splicing suggest that this variant may disrupt the consensus splice site. For these reasons, this variant has been classified as Pathogenic.

Literature cited by the submitters: PubMed 26073778; PubMed 26541327; PubMed 27789416; PubMed 28031453.